The following is an entry in ClinVar:

ClinVar aggregate classification (germline): Uncertain significance (0 of 4 stars; one submission).

Conditions:
Prostate cancer. Also called: Malignant tumor of prostate. Identifiers: Orphanet 1331, MedGen C0376358, MONDO:0008315, HP:0012125.

Allele frequency attached by ClinVar (database versions not stated): gnomAD 0.00004; TOPMed 0.00004; ExAC 0.00007.
gnomAD v4.1: 45 of 1,613,570 alleles (0.0028%); highest among the groups gnomAD compares: Non-Finnish European, 0.0036%; no homozygotes.

Submission:

Science for Life laboratory,  Karolinska Institutet
Classification: Uncertain significance for Malignant tumor of prostate. Review status: no assertion criteria provided. Collection method: not provided. Allele origin: somatic.
Comment: TumorID:SWE-4
ClinVar note: Converted during submission from Unknown to Uncertain significance.

NM_001358235.2(DCHS2):c.4375G>A (p.Gly1459Arg)

Gene: DCHS2 (dachsous cadherin-related 2; minus strand). Cytogenetic location: 4q31.3.
Variant type: single nucleotide variant.
Coding change: c.4375G>A on transcript NM_001358235.2 (MANE Select); coding-DNA position 4375, G replaced by A.
Protein change: p.Gly1459Arg; replaces glycine 1459 with arginine.
Molecular consequence: missense variant.
Genome position (GRCh38, 1-based): chr4:154,321,024, C>T on the plus strand (G>A on the coding strand, the complement: DCHS2 is on the minus strand). VCF-style: chr4-154321024-C-T. GRCh37 (hg19) VCF-style: chr4-155242176-C-T.
Other names: short protein forms G1459R.
Identifiers: ClinVar variation 161708 (VCV000161708.2), dbSNP rs193920995, ClinGen allele CA174637.